The following is an entry in ClinVar:

ClinVar aggregate classification (germline): Uncertain significance. Review status: criteria provided, multiple submitters, no conflicts (2 of 4 stars). 5 submissions from 5 submitters: Uncertain significance (4). 1 of the submissions does not count toward it. Last evaluated 2025-09-30.

Conditions:
C3 glomerulonephritis. Also called: Nephropathy due to CFHR5 Deficiency; C3 GLOMERULOPATHY 3. Identifiers: Orphanet 329931, MedGen C4055342, MONDO:0013892, OMIM 614809.
Atypical hemolytic-uremic syndrome. Identifiers: Orphanet 2134, MedGen C2931788, MONDO:0016244.
C3-related disorder. Also called: C3-related condition.
Age related macular degeneration 9. Identifiers: MedGen C1969651, MONDO:0012659, OMIM 611378.
Atypical hemolytic-uremic syndrome with C3 anomaly. Also called: AHUS, SUSCEPTIBILITY TO, 5. Identifiers: Orphanet 2134, MedGen C2752037, MONDO:0013043, OMIM 612925.
Complement component 3 deficiency. Identifiers: Orphanet 280133, MedGen C3151071, MONDO:0013417, OMIM 613779.

Allele frequency attached by ClinVar (database versions not stated): gnomAD 0.00003 and 0.00004; ExAC 0.00004; gnomAD exomes 0.00004 and 0.00007; TOPMed 0.00005.
gnomAD v4.1: 124 of 1,613,948 alleles (0.0077%); highest among the groups gnomAD compares: Non-Finnish European, 0.0089%; no homozygotes.

Submissions (5):

Genomenon, Inc
Classification: Uncertain significance for C3 glomerulonephritis; Atypical hemolytic-uremic syndrome. Last evaluated: 2025-09-30. Review status: criteria provided, single submitter. Criteria: Genomenon Sequence Variant Interpretation Standards. Collection method: curation. Allele origin: germline. Affected: yes.
Comment: C3 p.Ser1008Leu (c.3023C>T) is a missense variant that changes the amino acid at residue 1008 from Serine to Leucine. This variant has been observed in at least one proband affected with a C3-related disorder (PMID:38741947;26559391). It is absent or not present at a significant frequency in gnomAD. In silico models agree that this variant is not damaging. In conclusion, we classify C3 p.Ser1008Leu (c.3023C>T) as a variant of unknown significance.

Labcorp Genetics (formerly Invitae), Labcorp
Classification: Uncertain significance. Last evaluated: 2025-08-17. Review status: criteria provided, single submitter. Criteria: Invitae Variant Classification Sherloc (09022015). Collection method: clinical testing. Allele origin: germline.
Comment: This sequence change replaces serine, which is neutral and polar, with leucine, which is neutral and non-polar, at codon 1008 of the C3 protein (p.Ser1008Leu). This variant is present in population databases (rs746172422, gnomAD 0.007%). This missense change has been observed in individual(s) with atypical hemolytic uremic syndrome (PMID: 26559391, 37369098). ClinVar contains an entry for this variant (Variation ID: 1372748). Invitae Evidence Modeling of protein sequence and biophysical properties (such as structural, functional, and spatial information, amino acid conservation, physicochemical variation, residue mobility, and thermodynamic stability) has been performed for this missense variant. However, the output from this modeling did not meet the statistical confidence thresholds required to predict the impact of this variant on C3 protein function. In summary, the available evidence is currently insufficient to determine the role of this variant in disease. Therefore, it has been classified as a Variant of Uncertain Significance.

Fulgent Genetics
Classification: Uncertain significance for Age related macular degeneration 9; Atypical hemolytic-uremic syndrome with C3 anomaly; Complement component 3 deficiency. Last evaluated: 2024-01-22. Review status: criteria provided, single submitter. Criteria: ACMG Guidelines, 2015. Collection method: clinical testing. Allele origin: germline.

Johns Hopkins Genomics, Johns Hopkins University
Classification: Uncertain significance for Atypical hemolytic-uremic syndrome with C3 anomaly. Last evaluated: 2022-08-22. Review status: criteria provided, single submitter. Criteria: ACMG Guidelines, 2015. Collection method: clinical testing. Allele origin: germline.
Comment: This C3 missense variant has been reported in an individual with atypical hemolytic uremic syndrome (aHUS). The variant (rs746172422) is rare (<0.1%) in a large population dataset (gnomAD: 9/251364 total alleles; 0.0036%; no homozygotes), and has been reported in ClinVar (Variation ID 1372748). Of two bioinformatic tools queried, one predicts that the substitution would be possibly damaging, while the other predicts that it would be tolerated, and the serine residue at this position is evolutionarily conserved across many of the species assessed6. We consider the clinical significance of c.3023C>T in C3 to be uncertain at this time.

PreventionGenetics, part of Exact Sciences
Classification: Uncertain significance for C3-related condition. Last evaluated: 2023-12-05. Review status: no assertion criteria provided. Collection method: clinical testing. Allele origin: germline. Not counted in ClinVar's aggregate classification.
Comment: The C3 c.3023C>T variant is predicted to result in the amino acid substitution p.Ser1008Leu. This variant was reported in an individual with atypical hemolytic uremic syndrome (Patient ID 9, Phillips et al. 2016. PubMed ID: 26559391). This variant is reported in 0.0062% of alleles in individuals of European (Non-Finnish) descent in gnomAD. At this time, the clinical significance of this variant is uncertain due to the absence of conclusive functional and genetic evidence.

Literature cited by the submitters: PubMed 38741947 (cited by Genomenon, Inc); PubMed 26559391 (cited by 3 submitters); PubMed 37369098 (cited by Labcorp Genetics (formerly Invitae), Labcorp).

NM_000064.4(C3):c.3023C>T (p.Ser1008Leu)

Gene: C3 (complement C3; minus strand). Cytogenetic location: 19p13.3.
Variant type: single nucleotide variant.
Coding change: c.3023C>T on transcript NM_000064.4 (MANE Select); coding-DNA position 3023, C replaced by T.
Protein change: p.Ser1008Leu; replaces serine 1008 with leucine.
Molecular consequence: missense variant.
Genome position (GRCh38, 1-based): chr19:6,694,562, G>A on the plus strand (C>T on the coding strand, the complement: C3 is on the minus strand). VCF-style: chr19-6694562-G-A. GRCh37 (hg19) VCF-style: chr19-6694573-G-A.
Other names: short protein forms S1008L.
Identifiers: ClinVar variation 1372748 (VCV001372748.11), dbSNP rs746172422, ClinGen allele CA9128869.
Genomic context (GRCh38, chr19:6,694,562, plus strand): 5'-AGGTAATGCACAGCGATGACCGTGGGCGTCATGCCGATCATGTTCTGTTCCCCGCAGCCC[G>A]AGGGGGTCACAATGAGGTGCTTCAGCCGTTCCGCGTCGACGGCATCCTCTGTCATCTGGG-3'
Protein context (NP_000055.2, residues 998-1018): ERLKHLIVTP[Ser1008Leu]GCGEQNMIGM